The following is an entry in ClinVar:

NM_012434.5(SLC17A5):c.553_554insGCCATGCA (p.Met185fs)

Gene: SLC17A5 (solute carrier family 17 member 5; minus strand). Cytogenetic location: 6q13.
Variant type: Insertion.
Coding change: c.553_554insGCCATGCA on transcript NM_012434.5 (MANE Select); coding-DNA positions 553 to 554, GCCATGCA inserted.
Protein change: p.Met185fs; shifts the reading frame from methionine 185.
Molecular consequence: frameshift variant.
Genome position: GRCh38 VCF-style: chr6-73638471-A-ATGCATGGC. GRCh37 (hg19) VCF-style: chr6-74348194-A-ATGCATGGC.
Other names: c.322_323insGCCATGCA, p.Met108fs (NM_001382629.1, NM_001382636.1); c.553_554insGCCATGCA, p.Met185fs (NM_001382630.1, NM_001382632.1, NM_001382633.1 and 2 more transcripts); c.574_575insGCCATGCA, p.Met192fs (NM_001382631.1); short protein forms M108fs, M185fs, M192fs.
Identifiers: ClinVar variation 5013869 (VCV005013869.1).

ClinVar aggregate classification (germline): Pathogenic (1 of 4 stars; one submission).

Conditions:
Sialic acid storage disease, severe infantile type (ISSD). Also called: N-ACETYLNEURAMINIC ACID STORAGE DISEASE; NANA STORAGE DISEASE; INFANTILE SIALIC ACID STORAGE DISORDER; SIALURIA, INFANTILE FORM; Infantile Sialic Acid Storage Disease; Free sialic acid storage disease, infantile form. Identifiers: Orphanet 309324, Orphanet 834, MedGen C1096902, MONDO:0010027, OMIM 269920.

Submission:

Myriad Genetics, Inc.
Classification: Pathogenic for Sialic acid storage disease, severe infantile type. Last evaluated: 2024-12-18. Review status: criteria provided, single submitter. Criteria: Myriad Autosomal Dominant, Autosomal Recessive and X-Linked Classification Criteria (2023). Collection method: clinical testing. Allele origin: unknown.
Comment: NM_012434.4(SLC17A5):c.553_554ins8(M185Sfs*30) is expected to be pathogenic in the context of free sialic acid storage disorders. This variant is predicted to lead to an abnormal or absent protein product due to the creation of a premature termination codon in SLC17A5, a gene where loss-of-function variants are known to be pathogenic. Please note: this variant was assessed in the context of healthy population screening.